The following is an entry in ClinVar:

ClinVar aggregate classification (germline): Benign (1 of 4 stars; one submission).

Allele frequency attached by ClinVar (database versions not stated): 1000 Genomes Project 30x 0.97267; 1000 Genomes Project 0.97544; TOPMed 0.97550; gnomAD 0.97704 and 0.97853.
gnomAD v4.1: 149,057 of 152,292 alleles (98%); highest among the groups gnomAD compares: South Asian, 100%; 73,026 homozygotes.

Submission:

GeneDx
Classification: Benign. Last evaluated: 2018-06-14. Review status: criteria provided, single submitter. Criteria: GeneDx Variant Classification (06012015). Collection method: clinical testing. Allele origin: germline. Affected: yes.
Comment: This variant is considered likely benign or benign based on one or more of the following criteria: it is a conservative change, it occurs at a poorly conserved position in the protein, it is predicted to be benign by multiple in silico algorithms, and/or has population frequency not consistent with disease.

NM_000126.4(ETFA):c.352-261G>A

Gene: ETFA (electron transfer flavoprotein subunit alpha; minus strand). Cytogenetic location: 15q24.2.
Variant type: single nucleotide variant.
Coding change: c.352-261G>A on transcript NM_000126.4 (MANE Select); 261 bases into the intron before coding-DNA position 352, G replaced by A.
Molecular consequence: intron variant.
Genome position (GRCh38, 1-based): chr15:76,288,206, C>T on the plus strand (G>A on the coding strand, the complement: ETFA is on the minus strand). VCF-style: chr15-76288206-C-T. GRCh37 (hg19) VCF-style: chr15-76580547-C-T.
Other names: c.205-261G>A (NM_001127716.2).
Identifiers: ClinVar variation 683823 (VCV000683823.1), dbSNP rs2456068, ClinGen allele CA273698125.
Genomic context (GRCh38, chr15:76,288,206, plus strand): 5'-ACTACATTAAGAGTTTCATGAGTTTTACAGTATTAAGCCACCTTAATGCAATATATTGAA[C>T]TATGAGATATGAAATTTAATAAACATCAATTACCAAGTGTGACAGTTGTGGATTATTGAA-3'